The following is an entry in ClinVar:

ClinVar aggregate classification (germline): Uncertain significance (1 of 4 stars; one submission).

Conditions:
Familial melanoma. Also called: Hereditary melanoma; Hereditary cutaneous melanoma. Identifiers: Orphanet 618, MedGen C1512419, MONDO:0018961.

Submission:

Labcorp Genetics (formerly Invitae), Labcorp
Classification: Uncertain significance for Familial melanoma. Last evaluated: 2022-12-15. Review status: criteria provided, single submitter. Criteria: Invitae Variant Classification Sherloc (09022015). Collection method: clinical testing. Allele origin: germline.
Comment: In summary, the available evidence is currently insufficient to determine the role of this variant in disease. Therefore, it has been classified as a Variant of Uncertain Significance. Algorithms developed to predict the effect of missense changes on protein structure and function are either unavailable or do not agree on the potential impact of this missense change (SIFT: "Deleterious"; PolyPhen-2: "Benign"; Align-GVGD: "Class C0"). This variant has not been reported in the literature in individuals affected with CDKN2A (p16INK4a)-related conditions. This variant is not present in population databases (gnomAD no frequency). This sequence change replaces aspartic acid, which is acidic and polar, with tyrosine, which is neutral and polar, at codon 146 of the CDKN2A (p16INK4a) protein (p.Asp146Tyr).

NM_000077.5(CDKN2A):c.436G>T (p.Asp146Tyr)

Gene: CDKN2A (cyclin dependent kinase inhibitor 2A; minus strand). Cytogenetic location: 9p21.3.
Variant type: single nucleotide variant.
Coding change: c.436G>T on transcript NM_000077.5; coding-DNA position 436, G replaced by T.
Protein change: p.Asp146Tyr; replaces aspartic acid 146 with tyrosine.
Molecular consequence: missense variant (on NM_000077.6). On other transcripts: 3 prime UTR variant (2).
Genome position (GRCh38, 1-based): chr9:21,970,923, C>A on the plus strand (G>T on the coding strand, the complement: CDKN2A is on the minus strand). VCF-style: chr9-21970923-C-A. GRCh37 (hg19) VCF-style: chr9-21970922-C-A.
Other names: c.436G>T, p.Asp146Tyr (NM_000077.6, NM_001195132.2); c.283G>T, p.Asp95Tyr (NM_001363763.2); c.*80G>T (NM_058195.4); c.*359G>T (NM_058197.5); short protein forms D146Y, D95Y.
Identifiers: ClinVar variation 2820920 (VCV002820920.3), dbSNP rs1563888589, ClinGen allele CA373085845.